The following is an entry in ClinVar:

ClinVar aggregate classification (germline): Pathogenic (1 of 4 stars; one submission).

Conditions:
Spastic paraplegia. Identifiers: MedGen C0037772, HP:0001258.

Submission:

Labcorp Genetics (formerly Invitae), Labcorp
Classification: Pathogenic for Spastic paraplegia. Last evaluated: 2025-09-16. Review status: criteria provided, single submitter. Criteria: Invitae Variant Classification Sherloc (09022015). Collection method: clinical testing. Allele origin: germline.
Comment: This sequence change creates a premature translational stop signal (p.Tyr3490Leufs*2) in the SACS gene. While this is not anticipated to result in nonsense mediated decay, it is expected to disrupt the last 1090 amino acid(s) of the SACS protein. This variant is not present in population databases (gnomAD no frequency). This variant has not been reported in the literature in individuals affected with SACS-related conditions. This variant disrupts a region of the SACS protein in which other variant(s) (p.Leu4451Pro) have been determined to be pathogenic (PMID: 23785480, 26288984). This suggests that this is a clinically significant region of the protein, and that variants that disrupt it are likely to be disease-causing. For these reasons, this variant has been classified as Pathogenic.

Literature cited by the submitters: PubMed 23785480; PubMed 26288984.

NM_014363.6(SACS):c.10468dup (p.Tyr3490fs)

Gene: SACS (sacsin molecular chaperone; minus strand). Cytogenetic location: 13q12.12.
Variant type: Duplication.
Coding change: c.10468dup on transcript NM_014363.6 (MANE Select); coding-DNA position 10468, one base duplicated (T; older notation c.10468dupT).
Protein change: p.Tyr3490fs; shifts the reading frame from tyrosine 3490.
Molecular consequence: frameshift variant.
Genome position (GRCh38, 1-based): chr13:23,333,408, A duplicated on the plus strand (T on the coding strand, the reverse complement: SACS is on the minus strand); the first of 2 consecutive A bases (chr13:23,333,408-23,333,409); duplicating either gives the same sequence. VCF-style (leftmost placement, unchanged base first): chr13-23333407-T-TA. GRCh37 (hg19) VCF-style: chr13-23907546-T-TA.
Other names: c.10027dup, p.Tyr3343fs (NM_001278055.2); c.10495dup, p.Tyr3499fs (NM_001437336.1); short protein forms Y3490fs, Y3343fs, Y3499fs.
Identifiers: ClinVar variation 4727286 (VCV004727286.1).